The following is an entry in ClinVar:

NM_001440.4(EXTL3):c.1661_1663del (p.Pro554del)

Gene: EXTL3 (exostosin like glycosyltransferase 3; plus strand). Cytogenetic location: 8p21.1.
Variant type: Deletion.
Coding change: c.1661_1663del on transcript NM_001440.4 (MANE Select); coding-DNA positions 1661 to 1663, 3 bases deleted (CCC; older notation c.1661_1663delCCC).
Protein change: p.Pro554del; deletes proline 554.
Molecular consequence: inframe deletion.
Genome position (GRCh38, 1-based): chr8:28,717,720-28,717,722, CCC deleted; deleting any 3 consecutive bases within chr8:28,717,718-28,717,722 gives the same sequence; the c. name uses the placement nearest the transcript's 3' end. VCF-style (leftmost placement, unchanged base first): chr8-28717717-TCCC-T. GRCh37 (hg19) VCF-style: chr8-28575234-TCCC-T.
Other names: short protein forms P554del.
Identifiers: ClinVar variation 1483720 (VCV001483720.5), dbSNP rs2130741101, ClinGen allele CA2573142688.

ClinVar aggregate classification (germline): Uncertain significance (1 of 4 stars; one submission).

Submission:

Labcorp Genetics (formerly Invitae), Labcorp
Classification: Uncertain significance. Last evaluated: 2021-08-27. Review status: criteria provided, single submitter. Criteria: Invitae Variant Classification Sherloc (09022015). Collection method: clinical testing. Allele origin: germline.
Comment: This variant, c.1661_1663del, results in the deletion of 1 amino acid(s) of the EXTL3 protein (p.Pro554del), but otherwise preserves the integrity of the reading frame. This variant is not present in population databases (ExAC no frequency). This variant has not been reported in the literature in individuals affected with EXTL3-related conditions. Experimental studies and prediction algorithms are not available or were not evaluated, and the functional significance of this variant is currently unknown. In summary, the available evidence is currently insufficient to determine the role of this variant in disease. Therefore, it has been classified as a Variant of Uncertain Significance.